The following is an entry in ClinVar:

NM_004991.4(MECOM):c.593C>T (p.Thr198Ile)

Gene: MECOM (MDS1 and EVI1 complex locus; minus strand). Cytogenetic location: 3q26.2.
Variant type: single nucleotide variant.
Coding change: c.593C>T on transcript NM_004991.4 (MANE Select); coding-DNA position 593, C replaced by T.
Protein change: p.Thr198Ile; replaces threonine 198 with isoleucine.
Molecular consequence: missense variant.
Genome position (GRCh38, 1-based): chr3:169,131,449, G>A on the plus strand (C>T on the coding strand, the complement: MECOM is on the minus strand). VCF-style: chr3-169131449-G-A. GRCh37 (hg19) VCF-style: chr3-168849237-G-A.
Other names: c.29C>T, p.Thr10Ile (NM_001366470.2, NM_001366471.2, NM_001366472.2 and 9 more transcripts); c.593C>T, p.Thr198Ile (NM_001366473.2, NM_001366466.2); c.221C>T, p.Thr74Ile (NM_001105077.4); short protein forms T74I, T198I, T10I.
Identifiers: ClinVar variation 4053168 (VCV004053168.2).

ClinVar aggregate classification (germline): Uncertain significance. Review status: criteria provided, multiple submitters, no conflicts (2 of 4 stars). 2 submissions from 2 submitters: Uncertain significance (2). Last evaluated 2026-03-10.

Conditions:
Inborn genetic diseases. Identifiers: MedGen C0950123, MeSH D030342.

gnomAD v4.1: 1 of 1,613,950 alleles (0.000062%); highest among the groups gnomAD compares: East Asian, 0.0022%; no homozygotes.

Submissions (2):

Women's Health and Genetics/Laboratory Corporation of America, LabCorp
Classification: Uncertain significance. Last evaluated: 2026-03-10. Review status: criteria provided, single submitter. Criteria: LabCorp Variant Classification Summary - May 2015. Collection method: clinical testing. Allele origin: germline.
Comment: Variant summary: MECOM c.29C>T (p.Thr10Ile) results in a non-conservative amino acid change in the encoded protein sequence. Algorithms developed to predict the effect of missense changes on protein structure and function are either unavailable or do not agree on the potential impact of this missense change. The variant was absent in 251352 control chromosomes. The available data on variant occurrences in the general population are insufficient to allow any conclusion about variant significance. To our knowledge, no occurrence of c.29C>T in individuals affected with MECOM-related conditions and no experimental evidence demonstrating its impact on protein function have been reported. ClinVar contains an entry for this variant (Variation ID: 4053168). Based on the evidence outlined above, the variant was classified as uncertain significance.

Ambry Genetics
Classification: Uncertain significance for Inborn genetic diseases. Last evaluated: 2025-04-10. Review status: criteria provided, single submitter. Criteria: Ambry Variant Classification Scheme 2023. Collection method: clinical testing. Allele origin: germline.
Comment: The p.T198I variant (also known as c.593C>T), located in coding exon 4 of the MECOM gene, results from a C to T substitution at nucleotide position 593. The threonine at codon 198 is replaced by isoleucine, an amino acid with similar properties. This amino acid position is conserved. In addition, this alteration is predicted to be tolerated by in silico analysis. Based on the available evidence, the clinical significance of this variant remains unclear.